The following is an entry in ClinVar:

NM_000288.4(PEX7):c.-56C>T

Gene: PEX7 (peroxisomal biogenesis factor 7; plus strand). Cytogenetic location: 6q23.3.
Variant type: single nucleotide variant.
Coding change: c.-56C>T on transcript NM_000288.4 (MANE Select); 56 bases upstream of the start codon, C replaced by T.
Molecular consequence: 5 prime UTR variant.
Genome position (GRCh38, 1-based): chr6:136,822,610, C>T. VCF-style: chr6-136822610-C-T. GRCh37 (hg19) VCF-style: chr6-137143748-C-T.
Identifiers: ClinVar variation 355522 (VCV000355522.12), dbSNP rs73777751, ClinGen allele CA10625880.

ClinVar aggregate classification (germline): Benign/Likely benign. Review status: criteria provided, multiple submitters, no conflicts (2 of 4 stars). 6 submissions from 5 submitters: Benign (3); Likely benign (1). 2 of the submissions do not count toward it. Last evaluated 2024-11-26.

Conditions:
Peroxisome biogenesis disorder 9B. Also called: Refsum disease, adult, 2; PEX7-Related Refsum Disease; PEROXISOME BIOGENESIS DISORDER, PEX7-RELATED, ATYPICAL. Identifiers: Orphanet 773, MedGen C2749346, MONDO:0013945, OMIM 614879.
Rhizomelic chondrodysplasia punctata (RCDP). Identifiers: Orphanet 177, MedGen C0282529, MONDO:0015776. Disease mechanism: loss of function.
Rhizomelic chondrodysplasia punctata type 1 (RCDP1). Also called: CHONDRODYSTROPHIA CALCIFICANS PUNCTATA; PEX7-Related Rhizomelic Chondrodysplasia Punctata; PEROXISOME BIOGENESIS DISORDER 9. Identifiers: Orphanet 177, Orphanet 309789, MedGen C1859133, MONDO:0008972, OMIM 215100. Disease mechanism: loss of function.

Allele frequency attached by ClinVar (database versions not stated): gnomAD 0.11791 and 0.11087; TOPMed 0.12152; 1000 Genomes Project 0.10863; 1000 Genomes Project 30x 0.11633.

Submissions (6):

Blueprint Genetics
Classification: Likely benign. Last evaluated: 2024-11-26. Review status: criteria provided, single submitter. Criteria: ACMG Guidelines, 2015. Collection method: clinical testing. Allele origin: germline.

GeneDx
Classification: Benign. Last evaluated: 2018-06-14. Review status: criteria provided, single submitter. Criteria: GeneDx Variant Classification (06012015). Collection method: clinical testing. Allele origin: germline. Affected: yes.
Comment: This variant is considered likely benign or benign based on one or more of the following criteria: it is a conservative change, it occurs at a poorly conserved position in the protein, it is predicted to be benign by multiple in silico algorithms, and/or has population frequency not consistent with disease.

Illumina Laboratory Services, Illumina
Classification: Benign for Rhizomelic chondrodysplasia punctata type 1. Last evaluated: 2018-01-13. Review status: criteria provided, single submitter. Criteria: ICSL Variant Classification Criteria 13 December 2019. Collection method: clinical testing. Allele origin: germline.
Comment: This variant was observed in the ICSL laboratory as part of a predisposition screen in an ostensibly healthy population. It had not been previously curated by ICSL or reported in the Human Gene Mutation Database (HGMD: prior to June 1st, 2018), and was therefore a candidate for classification through an automated scoring system. Utilizing variant allele frequency, disease prevalence and penetrance estimates, and inheritance mode, an automated score was calculated to assess if this variant is too frequent to cause the disease. Based on the score and internal cut-off values, a variant classified as benign is not then subjected to further curation. The score for this variant resulted in a classification of benign for this disease.

Illumina Laboratory Services, Illumina
Classification: Benign for Peroxisome biogenesis disorder 9B. Last evaluated: 2018-01-13. Review status: criteria provided, single submitter. Criteria: ICSL Variant Classification Criteria 13 December 2019. Collection method: clinical testing. Allele origin: germline.
Comment: the same text as in the submission from Illumina Laboratory Services, Illumina above.

Natera, Inc.
Classification: Benign for Rhizomelic chondrodysplasia punctata. Last evaluated: 2020-09-16. Review status: no assertion criteria provided. Collection method: clinical testing. Allele origin: germline. Not counted in ClinVar's aggregate classification.

Mayo Clinic Laboratories, Mayo Clinic
Classification: Benign. Last evaluated: 2016-10-14. Review status: no assertion criteria provided. Collection method: clinical testing. Allele origin: unknown. Not counted in ClinVar's aggregate classification.